The following is an entry in ClinVar:

NM_003470.3(USP7):c.62A>G (p.Glu21Gly)

Genes: USP7 (ubiquitin specific peptidase 7; minus strand), USP7-AS1 (USP7 antisense RNA 1; plus strand). Cytogenetic location: 16p13.2.
Variant type: single nucleotide variant.
Coding change: c.62A>G on transcript NM_003470.3 (MANE Select); coding-DNA position 62, A replaced by G.
Protein change: p.Glu21Gly; replaces glutamic acid 21 with glycine.
Molecular consequence: missense variant.
Genome position (GRCh38, 1-based): chr16:8,963,224, T>C on the plus strand (A>G on the coding strand, the complement: USP7 is on the minus strand). VCF-style: chr16-8963224-T-C. GRCh37 (hg19) VCF-style: chr16-9057081-T-C.
Other names: p.Glu21Gly; short protein forms E21G.
Identifiers: ClinVar variation 2683345 (VCV002683345.1), dbSNP rs919912952, ClinGen allele CA394693104.

ClinVar aggregate classification (germline): Uncertain significance (1 of 4 stars; one submission).

Submission:

Mayo Clinic Laboratories, Mayo Clinic
Classification: Uncertain significance. Last evaluated: 2022-06-23. Review status: criteria provided, single submitter. Criteria: ACMG Guidelines, 2015. Collection method: clinical testing. Allele origin: germline. Observed: 1 variant allele.
Comment: BP4, PM2